The following is an entry in ClinVar:

ClinVar aggregate classification (germline): Uncertain significance. Review status: criteria provided, multiple submitters, no conflicts (2 of 4 stars). 2 submissions from 2 submitters: Uncertain significance (2). Last evaluated 2025-08-30.

Conditions:
Familial thoracic aortic aneurysm and aortic dissection (TAAD). Also called: Thoracic aortic aneurysms and dissections. Identifiers: Orphanet 91387, MedGen C4707243, MONDO:0019625.
Aortic aneurysm, familial thoracic 4 (AAT4). Also called: AORTIC ANEURYSM/AORTIC DISSECTION AND PATENT DUCTUS ARTERIOSUS. Identifiers: MedGen C1851504, MONDO:0007568, OMIM 132900.

gnomAD v4.1: 1 of 1,614,182 alleles (0.000062%); highest among the groups gnomAD compares: Non-Finnish European, 0.000085%; no homozygotes.

Submissions (2):

Color Diagnostics, LLC DBA Color Health
Classification: Uncertain significance for Familial thoracic aortic aneurysm and aortic dissection. Last evaluated: 2025-08-30. Review status: criteria provided, single submitter. Criteria: ACMG Guidelines, 2015. Collection method: clinical testing. Allele origin: germline.
Comment: This missense variant replaces tryptophan with cysteine at codon 442 of the MYH11 protein. Computational prediction suggests that this variant may have deleterious impact on protein structure and function. To our knowledge, functional studies have not been reported for this variant. This variant has not been reported in individuals affected with MYH11-related disorders in the literature. This variant has not been identified in the general population by the Genome Aggregation Database (gnomAD). The available evidence is insufficient to determine the role of this variant in disease conclusively. Therefore, this variant is classified as a Variant of Uncertain Significance.

Labcorp Genetics (formerly Invitae), Labcorp
Classification: Uncertain significance for Aortic aneurysm, familial thoracic 4. Last evaluated: 2025-07-27. Review status: criteria provided, single submitter. Criteria: Invitae Variant Classification Sherloc (09022015). Collection method: clinical testing. Allele origin: germline.
Comment: This sequence change replaces tryptophan, which is neutral and slightly polar, with cysteine, which is neutral and slightly polar, at codon 442 of the MYH11 protein (p.Trp442Cys). This variant is not present in population databases (gnomAD no frequency). This variant has not been reported in the literature in individuals affected with MYH11-related conditions. Invitae Evidence Modeling of protein sequence and biophysical properties (such as structural, functional, and spatial information, amino acid conservation, physicochemical variation, residue mobility, and thermodynamic stability) has been performed for this missense variant. However, the output from this modeling did not meet the statistical confidence thresholds required to predict the impact of this variant on MYH11 protein function. In summary, the available evidence is currently insufficient to determine the role of this variant in disease. Therefore, it has been classified as a Variant of Uncertain Significance.

NM_002474.3(MYH11):c.1305G>C (p.Trp435Cys)

Gene: MYH11 (myosin heavy chain 11; minus strand). Cytogenetic location: 16p13.11.
Variant type: single nucleotide variant.
Coding change: c.1305G>C on transcript NM_002474.3 (MANE Select); coding-DNA position 1305, G replaced by C.
Protein change: p.Trp435Cys; replaces tryptophan 435 with cysteine.
Molecular consequence: missense variant.
Genome position (GRCh38, 1-based): chr16:15,759,672, C>G on the plus strand (G>C on the coding strand, the complement: MYH11 is on the minus strand). VCF-style: chr16-15759672-C-G. GRCh37 (hg19) VCF-style: chr16-15853529-C-G.
Other names: c.1326G>C, p.Trp442Cys (NM_001040113.2, NM_001040114.2); c.1305G>C, p.Trp435Cys (NM_022844.3); short protein forms W435C, W442C.
Identifiers: ClinVar variation 4692460 (VCV004692460.1).